The following is an entry in ClinVar:

ClinVar aggregate classification (germline): Uncertain significance (1 of 4 stars; one submission).

Conditions:
Neurodevelopmental disorder with or without autism or seizures (NEDAUS). Identifiers: MedGen C5543225, MONDO:0030994, OMIM 619239.

gnomAD v4.1: 1 of 1,611,322 alleles (0.000062%); highest among the groups gnomAD compares: South Asian, 0.0011%; no homozygotes.

Submission:

Dasa
Classification: Uncertain significance for neurodevelopmental disorder with or without autism or seizures. Last evaluated: 2025-03-06. Review status: criteria provided, single submitter. Criteria: DASA Assertion Criteria. Collection method: clinical testing. Allele origin: germline.
Comment: NM_003590.5(CUL3):c.856C>T (p.His286Tyr) is a missense variant that results in the substitution of histidine with tyrosine. This variant is rare in population databases. Computational prediction algorithms are consistent with a benign effect. The currently available literature and clinical evidence are not sufficient to establish a definitive association between this variant and the reported condition. Therefore, this variant is classified as a variant of uncertain significance.

NM_003590.5(CUL3):c.856C>T (p.His286Tyr)

Gene: CUL3 (cullin 3; minus strand). Cytogenetic location: 2q36.2.
Variant type: single nucleotide variant.
Coding change: c.856C>T on transcript NM_003590.5 (MANE Select); coding-DNA position 856, C replaced by T.
Protein change: p.His286Tyr; replaces histidine 286 with tyrosine.
Molecular consequence: missense variant.
Genome position (GRCh38, 1-based): chr2:224,511,381, G>A on the plus strand (C>T on the coding strand, the complement: CUL3 is on the minus strand). VCF-style: chr2-224511381-G-A. GRCh37 (hg19) VCF-style: chr2-225376098-G-A.
Other names: c.658C>T, p.His220Tyr (NM_001257197.2); c.874C>T, p.His292Tyr (NM_001257198.2); short protein forms H220Y, H286Y, H292Y.
Identifiers: ClinVar variation 4881874 (VCV004881874.2).